The following is an entry in ClinVar:

NM_018699.4(PRDM5):c.243del (p.Trp81fs)

Gene: PRDM5 (PR/SET domain 5; minus strand). Cytogenetic location: 4q27.
Variant type: Deletion.
Coding change: c.243del on transcript NM_018699.4 (MANE Select); coding-DNA position 243, one base deleted (G; older notation c.243delG).
Protein change: p.Trp81fs; shifts the reading frame from tryptophan 81.
Molecular consequence: frameshift variant.
Genome position (GRCh38, 1-based): chr4:120,853,475, C deleted on the plus strand (G on the coding strand, the reverse complement: PRDM5 is on the minus strand); the first of 2 consecutive C bases (chr4:120,853,475-120,853,476); deleting either gives the same sequence. VCF-style (leftmost placement, unchanged base first): chr4-120853474-GC-G. GRCh37 (hg19) VCF-style: chr4-121774629-GC-G.
Other names: c.243del, p.Trp81fs (NM_001300823.2, NM_001300824.2, NM_001379104.1 and 1 more transcripts); short protein forms W81fs.
Identifiers: ClinVar variation 1791304 (VCV001791304.2), dbSNP rs771708843, ClinGen allele CA3061449.

ClinVar aggregate classification (germline): Likely pathogenic (1 of 4 stars; one submission).

Conditions:
Cardiovascular phenotype. Identifiers: MedGen CN230736.

Submission:

Ambry Genetics
Classification: Likely pathogenic for Cardiovascular phenotype. Last evaluated: 2021-02-08. Review status: criteria provided, single submitter. Criteria: Ambry Variant Classification Scheme 2023. Collection method: clinical testing. Allele origin: germline.
Comment: The c.243delG variant, located in coding exon 3 of the PRDM5 gene, results from a deletion of one nucleotide at nucleotide position 243, causing a translational frameshift with a predicted alternate stop codon (p.W81Cfs*33). This alteration is expected to result in loss of function by premature protein truncation or nonsense-mediated mRNA decay. Based on the majority of available evidence to date, this variant is likely to be pathogenic.